The following is an entry in ClinVar:

ClinVar aggregate classification (germline): Uncertain significance (1 of 4 stars; one submission).

Allele frequency attached by ClinVar (database versions not stated): ExAC 0.00001; gnomAD exomes 0.00001.
gnomAD v4.1: 7 of 1,205,408 alleles (0.00058%); highest among the groups gnomAD compares: African/African-American, 0.0018%; no homozygotes.

Submission:

CeGaT Center for Human Genetics Tuebingen
Classification: Uncertain significance. Last evaluated: 2023-10-01. Review status: criteria provided, single submitter. Criteria: CeGaT Center For Human Genetics Tuebingen Variant Classification Criteria Version 2. Collection method: clinical testing. Allele origin: germline. Affected: yes. Observed: 1 variant allele.
Comment: GYG2: PM2, BP4

NM_001079855.2(GYG2):c.853G>A (p.Val285Met)

Gene: GYG2 (glycogenin 2; plus strand). Cytogenetic location: Xp22.33.
Variant type: single nucleotide variant.
Coding change: c.853G>A on transcript NM_001079855.2 (MANE Select); coding-DNA position 853, G replaced by A.
Protein change: p.Val285Met; replaces valine 285 with methionine.
Molecular consequence: missense variant.
Genome position (GRCh38, 1-based): chrX:2,861,537, G>A. VCF-style: chrX-2861537-G-A. GRCh37 (hg19) VCF-style: chrX-2779578-G-A.
Other names: c.853G>A, p.Val285Met (NM_001184702.2); c.946G>A, p.Val316Met (NM_001184703.2, NM_003918.3); c.388G>A, p.Val130Met (NM_001184704.2); short protein forms V130M, V285M, V316M.
Identifiers: ClinVar variation 2659862 (VCV002659862.24), dbSNP rs750976867, ClinGen allele CA10337194.